The following is an entry in ClinVar:

NM_020822.3(KCNT1):c.909_910delinsGA (p.Ser304Thr)

Gene: KCNT1 (potassium sodium-activated channel subfamily T member 1; plus strand). Cytogenetic location: 9q34.3.
Variant type: Indel.
Coding change: c.909_910delinsGA on transcript NM_020822.3 (MANE Select); coding-DNA positions 909 to 910, CT replaced by GA.
Protein change: p.Ser304Thr; replaces serine 304 with threonine.
Molecular consequence: missense variant.
Genome position (GRCh38, 1-based): chr9:135,759,733-135,759,734, CT replaced by GA. VCF-style: chr9-135759733-CT-GA. GRCh37 (hg19) VCF-style: chr9-138651579-CT-GA.
Other names: c.909_910delinsGA (NM_020822.2); c.774_775delinsGA, p.Ser259Thr (NM_001272003.2); short protein forms S304T, S259T.
Identifiers: ClinVar variation 412317 (VCV000412317.9), dbSNP rs1060503697, ClinGen allele CA16612548.

ClinVar aggregate classification (germline): Uncertain significance (1 of 4 stars; one submission).

Conditions:
Developmental and epileptic encephalopathy, 14 (DEE14). Also called: Early infantile epileptic encephalopathy 14. Identifiers: Orphanet 293181, MedGen C3554195, MONDO:0013989, OMIM 614959.
Autosomal dominant nocturnal frontal lobe epilepsy 5. Also called: CILIARY DYSKINESIA, PRIMARY, 28, WITH SITUS INVERSUS; Epilepsy, nocturnal frontal lobe, 5; CILIARY DYSKINESIA, PRIMARY, 28, WITHOUT SITUS INVERSUS; KCNT1-Related Epilepsy. Identifiers: Orphanet 98784, MedGen C3554306, MONDO:0014002, OMIM 615005.

Submission:

Labcorp Genetics (formerly Invitae), Labcorp
Classification: Uncertain significance for Autosomal dominant nocturnal frontal lobe epilepsy 5; Developmental and epileptic encephalopathy, 14. Last evaluated: 2023-09-14. Review status: criteria provided, single submitter. Criteria: Invitae Variant Classification Sherloc (09022015). Collection method: clinical testing. Allele origin: germline.
Comment: ClinVar contains an entry for this variant (Variation ID: 412317). This variant has not been reported in the literature in individuals affected with KCNT1-related conditions. Information on the frequency of this variant in the gnomAD database is not available, as this variant may be reported differently in the database. This sequence change replaces serine, which is neutral and polar, with threonine, which is neutral and polar, at codon 304 of the KCNT1 protein (p.Ser304Thr). In summary, the available evidence is currently insufficient to determine the role of this variant in disease. Therefore, it has been classified as a Variant of Uncertain Significance. Experimental studies and prediction algorithms are not available or were not evaluated, and the functional significance of this variant is currently unknown.